The following is an entry in ClinVar:

NM_002474.3(MYH11):c.3293+6G>A

Gene: MYH11 (myosin heavy chain 11; minus strand). Cytogenetic location: 16p13.11.
Variant type: single nucleotide variant.
Coding change: c.3293+6G>A on transcript NM_002474.3 (MANE Select); 6 bases into the intron after coding-DNA position 3293, G replaced by A.
Molecular consequence: intron variant.
Genome position (GRCh38, 1-based): chr16:15,737,443, C>T on the plus strand (G>A on the coding strand, the complement: MYH11 is on the minus strand). VCF-style: chr16-15737443-C-T. GRCh37 (hg19) VCF-style: chr16-15831300-C-T.
Other names: p.?; c.3293+6G>A (NM_022844.3); c.3314+6G>A (NM_001040114.2, NM_001040113.2).
Identifiers: ClinVar variation 318160 (VCV000318160.23), dbSNP rs370658839, ClinGen allele CA7922042.

ClinVar aggregate classification (germline): Conflicting classifications of pathogenicity. Review status: criteria provided, conflicting classifications (1 of 4 stars). 7 submissions from 7 submitters: Uncertain significance (1); Benign (2); Likely benign (4). Last evaluated 2025-12-21.

Conditions:
Familial thoracic aortic aneurysm and aortic dissection (TAAD). Also called: Thoracic aortic aneurysms and dissections. Identifiers: Orphanet 91387, MedGen C4707243, MONDO:0019625.
Aortic aneurysm, familial thoracic 4 (AAT4). Also called: AORTIC ANEURYSM/AORTIC DISSECTION AND PATENT DUCTUS ARTERIOSUS. Identifiers: MedGen C1851504, MONDO:0007568, OMIM 132900.
Connective tissue disorder. Also called: Connective tissue disease. Identifiers: MedGen C0009782, MONDO:0003900.

Allele frequency attached by ClinVar (database versions not stated): gnomAD 0.00009 and 0.00011; TOPMed 0.00011; ESP Exome Variant Server 0.00015; 1000 Genomes Project 30x 0.00016; 1000 Genomes Project 0.00020.
gnomAD v4.1: 137 of 1,611,396 alleles (0.0085%); highest among the groups gnomAD compares: East Asian, 0.087%; no homozygotes.

Submissions (7):

Labcorp Genetics (formerly Invitae), Labcorp
Classification: Likely benign for Aortic aneurysm, familial thoracic 4. Last evaluated: 2025-12-21. Review status: criteria provided, single submitter. Criteria: Invitae Variant Classification Sherloc (09022015). Collection method: clinical testing. Allele origin: germline.

Mayo Clinic Laboratories, Mayo Clinic
Classification: Likely benign. Last evaluated: 2025-01-04. Review status: criteria provided, single submitter. Criteria: ACMG Guidelines, 2015. Collection method: clinical testing. Allele origin: germline. Observed: 2 variant alleles.
Comment: BS1, BP4, BP7

All of Us Research Program, National Institutes of Health
Classification: Benign for Familial thoracic aortic aneurysm and aortic dissection. Last evaluated: 2023-11-30. Review status: criteria provided, single submitter. Criteria: ACMG Guidelines, 2015. Collection method: clinical testing. Allele origin: germline. Inheritance: Autosomal dominant inheritance. Observed: 13 variant alleles, 13 heterozygotes.
Comment: This study involves interpretation of variants in research participants for the purpose of population health screening. Participant phenotype was not available at the time of variant classification. Additional details can be found in publication PMID: 35346344, PMCID: PMC8962531

GeneDx
Classification: Likely benign. Last evaluated: 2019-10-22. Review status: criteria provided, single submitter. Criteria: GeneDx Variant Classification Process June 2021. Collection method: clinical testing. Allele origin: germline. Affected: yes.

Color Diagnostics, LLC DBA Color Health
Classification: Benign for Familial thoracic aortic aneurysm and aortic dissection. Last evaluated: 2018-09-29. Review status: criteria provided, single submitter. Criteria: ACMG Guidelines, 2015. Collection method: clinical testing. Allele origin: germline.

Illumina Laboratory Services, Illumina
Classification: Uncertain significance for Aortic aneurysm, familial thoracic 4. Last evaluated: 2018-01-13. Review status: criteria provided, single submitter. Criteria: ICSL Variant Classification Criteria 13 December 2019. Collection method: clinical testing. Allele origin: germline.

Center for Human Genetics, Inc
Classification: Likely benign for Connective tissue disorder. Last evaluated: 2016-11-01. Review status: criteria provided, single submitter. Criteria: ACMG Guidelines, 2015. Collection method: clinical testing. Allele origin: germline. Affected: yes.